The following is an entry in ClinVar:

NM_000414.4(HSD17B4):c.1092_1095del (p.Ile364fs)

Gene: HSD17B4 (hydroxysteroid 17-beta dehydrogenase 4; plus strand). Cytogenetic location: 5q23.1.
Variant type: Microsatellite.
Coding change: c.1092_1095del on transcript NM_000414.4 (MANE Select); coding-DNA positions 1092 to 1095, 4 bases deleted (TTAT; older notation c.1092_1095delTTAT).
Protein change: p.Ile364fs; shifts the reading frame from isoleucine 364.
Molecular consequence: frameshift variant. On other transcripts: non-coding transcript variant (2).
Genome position (GRCh38, 1-based): chr5:119,499,436-119,499,439, TTAT deleted; deleting any 4 consecutive bases within chr5:119,499,430-119,499,439 gives the same sequence; the c. name uses the placement nearest the transcript's 3' end. VCF-style (leftmost placement, unchanged base first): chr5-119499429-AATTT-A. GRCh37 (hg19) VCF-style: chr5-118835124-AATTT-A.
Other names: c.1167_1170del, p.Ile389fs (NM_001199291.3); c.1038_1041del, p.Ile346fs (NM_001199292.2); c.1020_1023del, p.Ile340fs (NM_001292027.2); c.672_675del, p.Ile224fs (NM_001292028.2); c.1083_1086del, p.Ile361fs (NM_001374497.1); c.1092_1095del, p.Ile364fs (NM_001374498.1); c.765_768del, p.Ile255fs (NM_001374499.1); c.651_654del, p.Ile217fs (NM_001374500.1); and 1 more; short protein forms I217fs, I224fs, I227fs, I255fs, I340fs, I346fs, I361fs, I364fs.
Identifiers: ClinVar variation 1725943 (VCV001725943.3), dbSNP rs1561463486, ClinGen allele CA562695401.

ClinVar aggregate classification (germline): Likely pathogenic (1 of 4 stars; one submission).

Conditions:
Bifunctional peroxisomal enzyme deficiency (DBIF). Also called: DBP DEFICIENCY; PBFE DEFICIENCY; D-bifunctional protein deficiency. Identifiers: Orphanet 300, MedGen C0342870, MONDO:0009855, OMIM 261515. Disease mechanism: loss of function.

Submission:

Myriad Genetics, Inc.
Classification: Likely pathogenic for Bifunctional peroxisomal enzyme deficiency. Last evaluated: 2022-04-23. Review status: criteria provided, single submitter. Criteria: Myriad Autosomal Dominant, Autosomal Recessive and X-Linked Classification Criteria (2023). Collection method: clinical testing. Allele origin: unknown.
Comment: NM_000414.3(HSD17B4):c.1092_1095delTTAT(I364Mfs*17) is expected to be pathogenic in the context of HSD17B4-related disorders. This variant is predicted to lead to an abnormal or absent protein product due to the creation of a premature termination codon in HSD17B4, a gene where loss-of-function variants are known to be pathogenic. Please note: this variant was assessed in the context of healthy population screening.